The following is an entry in ClinVar:

NM_198075.4(LRRC56):c.760G>T (p.Glu254Ter)

Gene: LRRC56 (leucine rich repeat containing 56; plus strand). Cytogenetic location: 11p15.5.
Variant type: single nucleotide variant.
Coding change: c.760G>T on transcript NM_198075.4 (MANE Select); coding-DNA position 760, G replaced by T.
Protein change: p.Glu254Ter; replaces glutamic acid 254 with a stop codon.
Molecular consequence: nonsense.
Genome position (GRCh38, 1-based): chr11:551,266, G>T. VCF-style: chr11-551266-G-T. GRCh37 (hg19) VCF-style: chr11-551266-G-T.
Other names: short protein forms E254*.
Identifiers: ClinVar variation 599212 (VCV000599212.5), dbSNP rs372959912, ClinGen allele CA5779810.

ClinVar aggregate classification (germline): Pathogenic. Review status: criteria provided, multiple submitters, no conflicts (2 of 4 stars). 3 submissions from 3 submitters: Pathogenic (2). 1 of the submissions does not count toward it. Last evaluated 2025-06-26.

Conditions:
Ciliary dyskinesia, primary, 39. Also called: CILIARY DYSKINESIA, PRIMARY, 39, WITH OR WITHOUT SITUS INVERSUS. Identifiers: MedGen C4748841, MONDO:0032637, OMIM 618254.
LRRC56-related disorder. Also called: LRRC56-related condition.

Allele frequency attached by ClinVar (database versions not stated): TOPMed 0.00002; gnomAD 0.00003; gnomAD exomes 0.00003; ExAC below 0.00001.
gnomAD v4.1: 215 of 1,538,612 alleles (0.014%); highest among the groups gnomAD compares: Non-Finnish European, 0.018%; no homozygotes.

Submissions (3):

PreventionGenetics, part of Exact Sciences
Classification: Pathogenic for LRRC56-related condition. Last evaluated: 2025-06-26. Review status: criteria provided, single submitter. Criteria: ACMG Guidelines, 2015. Collection method: clinical testing. Allele origin: germline.
Comment: The LRRC56 c.760G>T variant is predicted to result in premature protein termination (p.Glu254*). This variant has been reported in the compound heterozygous state with a splicing variant in an individual with primary ciliary dyskinesia (Bonnefoy et al. 2018. PubMed ID: 30388400) and a frameshift variant in a fetus with situs inversus totalis (Xue et al. 2024. PubMed ID: 39009665). This variant is reported in 0.0091% of alleles in individuals of European (Non-Finnish) descent in gnomAD. Nonsense variants in LRRC56 are expected to be pathogenic. This variant is interpreted as pathogenic.

Labcorp Genetics (formerly Invitae), Labcorp
Classification: Pathogenic. Last evaluated: 2023-12-30. Review status: criteria provided, single submitter. Criteria: Invitae Variant Classification Sherloc (09022015). Collection method: clinical testing. Allele origin: germline.
Comment: This sequence change creates a premature translational stop signal (p.Glu254*) in the LRRC56 gene. It is expected to result in an absent or disrupted protein product. Loss-of-function variants in LRRC56 are known to be pathogenic (PMID: 30388400). This variant is present in population databases (rs372959912, gnomAD 0.01%). This premature translational stop signal has been observed in individual(s) with LRRC56-related conditions (PMID: 30388400). ClinVar contains an entry for this variant (Variation ID: 599212). Algorithms developed to predict the effect of sequence changes on RNA splicing suggest that this variant may disrupt the consensus splice site. For these reasons, this variant has been classified as Pathogenic.

OMIM
Classification: Pathogenic for CILIARY DYSKINESIA, PRIMARY, 39. Last evaluated: 2018-12-21. Review status: no assertion criteria provided. Collection method: literature only. Allele origin: germline. Not counted in ClinVar's aggregate classification.

Literature cited by the submitters: PubMed 30388400 (cited by Labcorp Genetics (formerly Invitae), Labcorp and OMIM).